The following is an entry in ClinVar:

NM_000016.6(ACADM):c.112A>C (p.Ser38Arg)

Gene: ACADM (acyl-CoA dehydrogenase medium chain; plus strand). Cytogenetic location: 1p31.1.
Variant type: single nucleotide variant.
Coding change: c.112A>C on transcript NM_000016.6 (MANE Select); coding-DNA position 112, A replaced by C.
Protein change: p.Ser38Arg; replaces serine 38 with arginine.
Molecular consequence: missense variant. On other transcripts: intron variant (2).
Genome position (GRCh38, 1-based): chr1:75,728,482, A>C. VCF-style: chr1-75728482-A-C. GRCh37 (hg19) VCF-style: chr1-76194167-A-C.
Other names: c.124A>C, p.Ser42Arg (NM_001127328.3); c.112A>C, p.Ser38Arg (NM_001286043.2); c.10+3665A>C (NM_001286042.2); c.-268+3665A>C (NM_001286044.2); short protein forms S38R, S42R.
Identifiers: ClinVar variation 1311433 (VCV001311433.2), dbSNP rs2100347323, ClinGen allele CA340807485.

ClinVar aggregate classification (germline): Uncertain significance (1 of 4 stars; one submission).

Submission:

GeneDx
Classification: Uncertain significance. Last evaluated: 2020-01-18. Review status: criteria provided, single submitter. Criteria: GeneDx Variant Classification Process June 2021. Collection method: clinical testing. Allele origin: germline. Affected: yes.
Comment: Not observed in large population cohorts (Lek et al., 2016); The majority of missense variants in this gene are considered pathogenic (Stenson et al., 2014); In silico analysis, which includes protein predictors and evolutionary conservation, supports a deleterious effect; Has not been previously published as pathogenic or benign to our knowledge